The following is an entry in ClinVar:

ClinVar aggregate classification (germline): Uncertain significance. Review status: criteria provided, multiple submitters, no conflicts (2 of 4 stars). 2 submissions from 2 submitters: Uncertain significance (2). Last evaluated 2025-11-03.

Conditions:
Inborn genetic diseases. Identifiers: MedGen C0950123, MeSH D030342.

gnomAD v4.1: 18 of 1,614,042 alleles (0.0011%); highest among the groups gnomAD compares: East Asian, 0.0022%; no homozygotes.

Submissions (2):

Ambry Genetics
Classification: Uncertain significance for Inborn genetic diseases. Last evaluated: 2025-11-03. Review status: criteria provided, single submitter. Criteria: Ambry Variant Classification Scheme 2023. Collection method: clinical testing. Allele origin: germline.

GeneDx
Classification: Uncertain significance. Last evaluated: 2024-11-26. Review status: criteria provided, single submitter. Criteria: GeneDx Variant Classification Process June 2021. Collection method: clinical testing. Allele origin: germline. Affected: yes.
Comment: Not observed at significant frequency in large population cohorts (gnomAD); In silico analysis indicates that this missense variant does not alter protein structure/function; Has not been previously published as pathogenic or benign to our knowledge

NM_006996.3(SLC19A2):c.703G>A (p.Gly235Ser)

Gene: SLC19A2 (solute carrier family 19 member 2; minus strand). Cytogenetic location: 1q24.2.
Variant type: single nucleotide variant.
Coding change: c.703G>A on transcript NM_006996.3 (MANE Select); coding-DNA position 703, G replaced by A.
Protein change: p.Gly235Ser; replaces glycine 235 with serine.
Molecular consequence: missense variant. On other transcripts: intron variant (1).
Genome position (GRCh38, 1-based): chr1:169,477,259, C>T on the plus strand (G>A on the coding strand, the complement: SLC19A2 is on the minus strand). VCF-style: chr1-169477259-C-T. GRCh37 (hg19) VCF-style: chr1-169446497-C-T.
Other names: c.205-7073G>A (NM_001319667.1); short protein forms G235S.
Identifiers: ClinVar variation 3901601 (VCV003901601.2).